The following is an entry in ClinVar:

ClinVar aggregate classification (germline): Benign/Likely benign. Review status: criteria provided, multiple submitters, no conflicts (2 of 4 stars). 3 submissions from 3 submitters: Benign (2); Likely benign (1). Last evaluated 2023-10-01.

Allele frequency attached by ClinVar (database versions not stated): 1000 Genomes Project 30x 0.00109; 1000 Genomes Project 0.00120; TOPMed 0.00377; gnomAD 0.00455; ESP Exome Variant Server 0.00513.
gnomAD v4.1: 10,282 of 1,613,726 alleles (0.64%); highest among the groups gnomAD compares: South Asian, 0.8%; 50 homozygotes.

Submissions (3):

CeGaT Center for Human Genetics Tuebingen
Classification: Likely benign. Last evaluated: 2023-10-01. Review status: criteria provided, single submitter. Criteria: CeGaT Center For Human Genetics Tuebingen Variant Classification Criteria Version 2. Collection method: clinical testing. Allele origin: germline. Affected: yes. Observed: 8 variant alleles.
Comment: FRY: BP4, BP7, BS2

Labcorp Genetics (formerly Invitae), Labcorp
Classification: Benign. Last evaluated: 2019-12-31. Review status: criteria provided, single submitter. Criteria: Invitae Variant Classification Sherloc (09022015). Collection method: clinical testing. Allele origin: germline.

Breakthrough Genomics
Classification: Benign. Review status: criteria provided, single submitter. Criteria: ACMG Guidelines, 2015. Collection method: not provided. Allele origin: germline. Inheritance: Unknown mechanism. Affected: yes.

NM_023037.3(FRY):c.3930G>A (p.Pro1310=)

Gene: FRY (FRY microtubule binding protein; plus strand). Cytogenetic location: 13q13.1.
Variant type: single nucleotide variant.
Coding change: c.3930G>A on transcript NM_023037.3 (MANE Select); coding-DNA position 3930, G replaced by A.
Protein change: p.Pro1310=; no amino-acid change (proline 1310 retained).
Molecular consequence: synonymous variant.
Genome position (GRCh38, 1-based): chr13:32,202,439, G>A. VCF-style: chr13-32202439-G-A. GRCh37 (hg19) VCF-style: chr13-32776576-G-A.
Identifiers: ClinVar variation 771189 (VCV000771189.29), dbSNP rs117167401, ClinGen allele CA6938766.